The following is an entry in ClinVar:

ClinVar aggregate classification (germline): Benign. Review status: criteria provided, multiple submitters, no conflicts (2 of 4 stars). 8 submissions from 7 submitters: Benign (8). Last evaluated 2026-02-04.

Conditions:
Tangier disease (TGD). Also called: HIGH DENSITY LIPOPROTEIN DEFICIENCY, TANGIER TYPE; HIGH DENSITY LIPOPROTEIN DEFICIENCY, TYPE 1; Cholesterol thesaurismosis. Identifiers: Orphanet 31150, MedGen C0039292, MONDO:0008783, OMIM 205400.
Cardiovascular phenotype. Identifiers: MedGen CN230736.
Hypoalphalipoproteinemia, primary, 1. Identifiers: Orphanet 425, MedGen C5231558, MONDO:0011393, OMIM 604091.

Allele frequency attached by ClinVar (database versions not stated): gnomAD 0.31320; ESP Exome Variant Server 0.32224; TOPMed 0.33534; 1000 Genomes Project 30x 0.37024; 1000 Genomes Project 0.37240.

Submissions (8):

Labcorp Genetics (formerly Invitae), Labcorp
Classification: Benign. Last evaluated: 2026-02-04. Review status: criteria provided, single submitter. Criteria: Invitae Variant Classification Sherloc (09022015). Collection method: clinical testing. Allele origin: germline.

Blueprint Genetics
Classification: Benign. Last evaluated: 2024-11-27. Review status: criteria provided, single submitter. Criteria: ACMG Guidelines, 2015. Collection method: clinical testing. Allele origin: germline.

Ambry Genetics
Classification: Benign for Cardiovascular phenotype. Last evaluated: 2019-02-05. Review status: criteria provided, single submitter. Criteria: Ambry Variant Classification Scheme 2023. Collection method: clinical testing. Allele origin: germline.

GeneDx
Classification: Benign. Last evaluated: 2018-08-30. Review status: criteria provided, single submitter. Criteria: GeneDx Variant Classification Process June 2021. Collection method: clinical testing. Allele origin: germline. Affected: yes.

Illumina Laboratory Services, Illumina
Classification: Benign for Tangier disease. Last evaluated: 2018-01-13. Review status: criteria provided, single submitter. Criteria: ICSL Variant Classification Criteria 13 December 2019. Collection method: clinical testing. Allele origin: germline.
Comment: This variant was observed in the ICSL laboratory as part of a predisposition screen in an ostensibly healthy population. It had not been previously curated by ICSL or reported in the Human Gene Mutation Database (HGMD: prior to June 1st, 2018), and was therefore a candidate for classification through an automated scoring system. Utilizing variant allele frequency, disease prevalence and penetrance estimates, and inheritance mode, an automated score was calculated to assess if this variant is too frequent to cause the disease. Based on the score and internal cut-off values, a variant classified as benign is not then subjected to further curation. The score for this variant resulted in a classification of benign for this disease.

Illumina Laboratory Services, Illumina
Classification: Benign for Hypoalphalipoproteinemia, primary, 1. Last evaluated: 2018-01-13. Review status: criteria provided, single submitter. Criteria: ICSL Variant Classification Criteria 13 December 2019. Collection method: clinical testing. Allele origin: germline.
Comment: the same text as in the submission from Illumina Laboratory Services, Illumina above.

Mayo Clinic Laboratories, Mayo Clinic
Classification: Benign. Last evaluated: 2017-07-24. Review status: criteria provided, single submitter. Criteria: ACMG Guidelines, 2015. Collection method: clinical testing. Allele origin: germline. Observed: 589 variant alleles.

Breakthrough Genomics
Classification: Benign. Review status: criteria provided, single submitter. Criteria: ACMG Guidelines, 2015. Collection method: not provided. Allele origin: germline. Inheritance: Autosomal recessive inheritance. Affected: yes.

NM_005502.4(ABCA1):c.474G>A (p.Leu158=)

Gene: ABCA1 (ATP binding cassette subfamily A member 1; minus strand). Cytogenetic location: 9q31.1.
Variant type: single nucleotide variant.
Coding change: c.474G>A on transcript NM_005502.4 (MANE Select); coding-DNA position 474, G replaced by A.
Protein change: p.Leu158=; no amino-acid change (leucine 158 retained).
Molecular consequence: synonymous variant.
Genome position (GRCh38, 1-based): chr9:104,861,748, C>T on the plus strand (G>A on the coding strand, the complement: ABCA1 is on the minus strand). VCF-style: chr9-104861748-C-T. GRCh37 (hg19) VCF-style: chr9-107624029-C-T.
Other names: p.Leu158=.
Identifiers: ClinVar variation 364460 (VCV000364460.20), dbSNP rs2230805, ClinGen allele CA5169380.